The following is an entry in ClinVar:

ClinVar aggregate classification (germline): Pathogenic. Review status: criteria provided, multiple submitters, no conflicts (2 of 4 stars). 3 submissions from 3 submitters: Pathogenic (3). Last evaluated 2025-05-06.

Conditions:
Vici syndrome (VICIS). Identifiers: Orphanet 1493, MedGen C1855772, MONDO:0009452, OMIM 242840.

Allele frequency attached by ClinVar (database versions not stated): TOPMed 0.00001; ExAC 0.00001; gnomAD 0.00001.

Submissions (3):

Revvity Omics, Revvity
Classification: Pathogenic for Vici syndrome. Last evaluated: 2025-05-06. Review status: criteria provided, single submitter. Criteria: ACMG Guidelines, 2015. Collection method: clinical testing. Allele origin: germline.

Labcorp Genetics (formerly Invitae), Labcorp
Classification: Pathogenic for Vici syndrome. Last evaluated: 2024-08-05. Review status: criteria provided, single submitter. Criteria: Invitae Variant Classification Sherloc (09022015). Collection method: clinical testing. Allele origin: germline.
Comment: This sequence change creates a premature translational stop signal (p.Arg955*) in the EPG5 gene. It is expected to result in an absent or disrupted protein product. Loss-of-function variants in EPG5 are known to be pathogenic (PMID: 23222957, 23674064). This variant is present in population databases (rs761554022, gnomAD 0.0009%). This premature translational stop signal has been observed in individual(s) with Vici syndrome (PMID: 28615637). ClinVar contains an entry for this variant (Variation ID: 1322825). Algorithms developed to predict the effect of sequence changes on RNA splicing suggest that this variant may disrupt the consensus splice site. For these reasons, this variant has been classified as Pathogenic.

Fulgent Genetics
Classification: Pathogenic for Vici syndrome. Last evaluated: 2024-06-04. Review status: criteria provided, single submitter. Criteria: ACMG Guidelines, 2015. Collection method: clinical testing. Allele origin: germline.

Literature cited by the submitters: PubMed 23222957 (cited by Labcorp Genetics (formerly Invitae), Labcorp); PubMed 23674064 (cited by Labcorp Genetics (formerly Invitae), Labcorp); PubMed 28615637 (cited by Labcorp Genetics (formerly Invitae), Labcorp).

NM_020964.3(EPG5):c.2863C>T (p.Arg955Ter)

Gene: EPG5 (ectopic P-granules 5 autophagy tethering factor; minus strand). Cytogenetic location: 18q21.1.
Variant type: single nucleotide variant.
Coding change: c.2863C>T on transcript NM_020964.3 (MANE Select); coding-DNA position 2863, C replaced by T.
Protein change: p.Arg955Ter; replaces arginine 955 with a stop codon.
Molecular consequence: nonsense.
Genome position (GRCh38, 1-based): chr18:45,922,576, G>A on the plus strand (C>T on the coding strand, the complement: EPG5 is on the minus strand). VCF-style: chr18-45922576-G-A. GRCh37 (hg19) VCF-style: chr18-43502542-G-A.
Other names: short protein forms R955*.
Identifiers: ClinVar variation 1322825 (VCV001322825.10), dbSNP rs761554022, ClinGen allele CA8949312.